The following is an entry in ClinVar:

NM_001114753.3(ENG):c.496del (p.Gln166fs)

Gene: ENG (endoglin; minus strand). Cytogenetic location: 9q34.11.
Variant type: Deletion.
Coding change: c.496del on transcript NM_001114753.3 (MANE Select); coding-DNA position 496, one base deleted (C; older notation c.496delC).
Protein change: p.Gln166fs; shifts the reading frame from glutamine 166.
Molecular consequence: frameshift variant. On other transcripts: 5 prime UTR variant (1).
Genome position (GRCh38, 1-based): chr9:127,826,537, G deleted on the plus strand (C on the coding strand, the reverse complement: ENG is on the minus strand); the first of 5 consecutive G bases (chr9:127,826,537-127,826,541); deleting any one gives the same sequence. VCF-style (leftmost placement, unchanged base first): chr9-127826536-TG-T. GRCh37 (hg19) VCF-style: chr9-130588815-TG-T.
Other names: c.-51del (NM_001278138.2); c.492delC, p.Gln166Argfs (NM_001406715.1, NM_000118.4); c.496delC (NM_000118.3); short protein forms Q166fs.
Identifiers: ClinVar variation 983209 (VCV000983209.5), dbSNP rs1830620247, ClinGen allele CA1139661221.

ClinVar aggregate classification (germline): Pathogenic. Review status: criteria provided, multiple submitters, no conflicts (2 of 4 stars). 2 submissions from 2 submitters: Pathogenic (2). Last evaluated 2024-03-20.

Conditions:
Telangiectasia, hereditary hemorrhagic, type 1 (HHT1). Also called: Osler Weber Rendu syndrome type 1; ENG-Related Hereditary Hemorrhagic Telangiectasia. Identifiers: Orphanet 774, MedGen C4551861, MONDO:0008535, OMIM 187300. Disease mechanism: loss of function.
Hereditary hemorrhagic telangiectasia (HHT). Also called: Osler hemorrhagic telangiectasia syndrome; ORW DISEASE; Osler Weber Rendu syndrome; OSLER-RENDU-WEBER DISEASE. Identifiers: Orphanet 774, MedGen C0039445, MONDO:0019180. Disease mechanism: loss of function.

Submissions (2):

Labcorp Genetics (formerly Invitae), Labcorp
Classification: Pathogenic for Hereditary hemorrhagic telangiectasia. Last evaluated: 2024-03-20. Review status: criteria provided, single submitter. Criteria: Invitae Variant Classification Sherloc (09022015). Collection method: clinical testing. Allele origin: germline.
Comment: This sequence change creates a premature translational stop signal (p.Gln166Argfs*56) in the ENG gene. It is expected to result in an absent or disrupted protein product. Loss-of-function variants in ENG are known to be pathogenic (PMID: 15879500). This variant is not present in population databases (gnomAD no frequency). This premature translational stop signal has been observed in individual(s) with hereditary hemorrhagic telangiectasia (PMID: 15024723). ClinVar contains an entry for this variant (Variation ID: 983209). For these reasons, this variant has been classified as Pathogenic.

NIHR Bioresource Rare Diseases, University of Cambridge
Classification: Pathogenic for Telangiectasia, hereditary hemorrhagic, type 1. Last evaluated: 2018-01-01. Review status: criteria provided, single submitter. Criteria: ACMG Guidelines, 2015. Collection method: research. Allele origin: unknown. Affected: yes. Observed: 1 variant allele.
Comment: PVS1+PM2+PP4

Literature cited by the submitters: PubMed 15879500 (cited by Labcorp Genetics (formerly Invitae), Labcorp); PubMed 15024723 (cited by Labcorp Genetics (formerly Invitae), Labcorp); PubMed 32573726 (cited by NIHR Bioresource Rare Diseases, University of Cambridge).